The following is an entry in ClinVar:

ClinVar aggregate classification (germline): Conflicting classifications of pathogenicity. Review status: criteria provided, conflicting classifications (1 of 4 stars). 2 submissions from 2 submitters: Uncertain significance (1); Likely benign (1). Last evaluated 2021-12-30.

Conditions:
Inborn genetic diseases. Identifiers: MedGen C0950123, MeSH D030342.

Allele frequency attached by ClinVar (database versions not stated): gnomAD exomes 0.00001; ExAC 0.00002; gnomAD 0.00005; ESP Exome Variant Server 0.00008.
gnomAD v4.1: 25 of 1,613,576 alleles (0.0015%); highest among the groups gnomAD compares: African/African-American, 0.0067%; no homozygotes.

Submissions (2):

Labcorp Genetics (formerly Invitae), Labcorp
Classification: Uncertain significance. Last evaluated: 2021-12-30. Review status: criteria provided, single submitter. Criteria: Invitae Variant Classification Sherloc (09022015). Collection method: clinical testing. Allele origin: germline.
Comment: In summary, the available evidence is currently insufficient to determine the role of this variant in disease. Therefore, it has been classified as a Variant of Uncertain Significance. Algorithms developed to predict the effect of missense changes on protein structure and function output the following: SIFT: "Not Available"; PolyPhen-2: "Benign"; Align-GVGD: "Not Available". The histidine amino acid residue is found in multiple mammalian species, which suggests that this missense change does not adversely affect protein function. This variant has not been reported in the literature in individuals affected with ANK3-related conditions. This variant is present in population databases (rs373699753, gnomAD 0.007%). This sequence change replaces arginine, which is basic and polar, with histidine, which is basic and polar, at codon 2905 of the ANK3 protein (p.Arg2905His).

Ambry Genetics
Classification: Likely benign for Inborn genetic diseases. Last evaluated: 2021-10-26. Review status: criteria provided, single submitter. Criteria: Ambry Variant Classification Scheme 2023. Collection method: clinical testing. Allele origin: germline.

NM_020987.5(ANK3):c.8714G>A (p.Arg2905His)

Gene: ANK3 (ankyrin 3; minus strand). Cytogenetic location: 10q21.2.
Variant type: single nucleotide variant.
Coding change: c.8714G>A on transcript NM_020987.5 (MANE Select); coding-DNA position 8714, G replaced by A.
Protein change: p.Arg2905His; replaces arginine 2905 with histidine.
Molecular consequence: missense variant. On other transcripts: intron variant (4).
Genome position (GRCh38, 1-based): chr10:60,072,167, C>T on the plus strand (G>A on the coding strand, the complement: ANK3 is on the minus strand). VCF-style: chr10-60072167-C-T. GRCh37 (hg19) VCF-style: chr10-61831925-C-T.
Other names: c.4388-4158G>A (NM_001204403.2); c.4409-4158G>A (NM_001204404.2); c.4406-4158G>A (NM_001320874.2); c.1808-4158G>A (NM_001149.4); short protein forms R2905H.
Identifiers: ClinVar variation 1916461 (VCV001916461.6), dbSNP rs373699753, ClinGen allele CA5511501.